The following is an entry in ClinVar:

ClinVar aggregate classification (germline): Uncertain significance (1 of 4 stars; one submission).

Submission:

Labcorp Genetics (formerly Invitae), Labcorp
Classification: Uncertain significance. Last evaluated: 2022-08-24. Review status: criteria provided, single submitter. Criteria: Invitae Variant Classification Sherloc (09022015). Collection method: clinical testing. Allele origin: germline.
Comment: Algorithms developed to predict the effect of missense changes on protein structure and function output the following: SIFT: "Not Available"; PolyPhen-2: "Benign"; Align-GVGD: "Not Available". The glycine amino acid residue is found in multiple mammalian species, which suggests that this missense change does not adversely affect protein function. In summary, the available evidence is currently insufficient to determine the role of this variant in disease. Therefore, it has been classified as a Variant of Uncertain Significance. This variant has not been reported in the literature in individuals affected with TCF3-related conditions. This variant is not present in population databases (gnomAD no frequency). This sequence change replaces serine, which is neutral and polar, with glycine, which is neutral and non-polar, at codon 207 of the TCF3 protein (p.Ser207Gly).

NM_003200.5(TCF3):c.619A>G (p.Ser207Gly)

Gene: TCF3 (transcription factor 3; minus strand). Cytogenetic location: 19p13.3.
Variant type: single nucleotide variant.
Coding change: c.619A>G on transcript NM_003200.5 (MANE Select); coding-DNA position 619, A replaced by G.
Protein change: p.Ser207Gly; replaces serine 207 with glycine.
Molecular consequence: missense variant.
Genome position (GRCh38, 1-based): chr19:1,622,346, T>C on the plus strand (A>G on the coding strand, the complement: TCF3 is on the minus strand). VCF-style: chr19-1622346-T-C. GRCh37 (hg19) VCF-style: chr19-1622345-T-C.
Other names: c.619A>G, p.Ser207Gly (NM_001136139.4, NM_001351778.2, NM_001351779.2); short protein forms S207G.
Identifiers: ClinVar variation 1909270 (VCV001909270.5), dbSNP rs2513677337, ClinGen allele CA403056102.
Genomic context (GRCh38, chr19:1,622,346, plus strand): 5'-CTGGCGAGCCCCCGCCCTGCCATGTACCTGCCACGTAGAAGGGGGCGGGATAGGTGCTGC[T>C]GGGGGTCTTGGCGGACGGGTAGGCGGTGGCATCCCTGCCGTAGTCCTCACCTGAGCTGGG-3'
Protein context (NP_003191.1, residues 197-217): ATAYPSAKTP[Ser207Gly]STYPAPFYVA